The following is an entry in ClinVar:

ClinVar aggregate classification (germline): Uncertain significance (1 of 4 stars; one submission).

Conditions:
Hereditary cancer-predisposing syndrome. Also called: Neoplastic Syndromes, Hereditary; Hereditary Cancer Syndrome; Tumor predisposition; Hereditary neoplastic syndrome. Identifiers: Orphanet 140162, MedGen C0027672, MeSH D009386, MONDO:0015356.

Submission:

Ambry Genetics
Classification: Uncertain significance for Hereditary cancer-predisposing syndrome. Last evaluated: 2023-01-21. Review status: criteria provided, single submitter. Criteria: Ambry Variant Classification Scheme 2023. Collection method: clinical testing. Allele origin: germline.
Comment: The p.M584V variant (also known as c.1750A>G), located in coding exon 12 of the CTNNA1 gene, results from an A to G substitution at nucleotide position 1750. The methionine at codon 584 is replaced by valine, an amino acid with highly similar properties. This amino acid position is conserved. In addition, the in silico prediction for this alteration is inconclusive. Since supporting evidence is limited at this time, the clinical significance of this alteration remains unclear.

NM_001903.5(CTNNA1):c.1750A>G (p.Met584Val)

Gene: CTNNA1 (catenin alpha 1; plus strand). Cytogenetic location: 5q31.2.
Variant type: single nucleotide variant.
Coding change: c.1750A>G on transcript NM_001903.5 (MANE Select); coding-DNA position 1750, A replaced by G.
Protein change: p.Met584Val; replaces methionine 584 with valine.
Molecular consequence: missense variant.
Genome position (GRCh38, 1-based): chr5:138,925,258, A>G. VCF-style: chr5-138925258-A-G. GRCh37 (hg19) VCF-style: chr5-138260947-A-G.
Other names: c.1750A>G, p.Met584Val (NM_001290307.3, NM_001323982.2, NM_001323983.1 and 2 more transcripts); c.1441A>G, p.Met481Val (NM_001290309.3); c.1381A>G, p.Met461Val (NM_001290310.3); c.640A>G, p.Met214Val (NM_001290312.1, NM_001323987.1, NM_001323988.1 and 17 more transcripts); c.1657A>G, p.Met553Val (NM_001323986.2); c.301A>G, p.Met101Val (NM_001324006.1, NM_001324007.1, NM_001324008.1 and 2 more transcripts); c.547A>G, p.Met183Val (NM_001324011.1); c.397A>G, p.Met133Val (NM_001324012.1, NM_001324013.1); short protein forms M481V, M461V, M183V, M553V, M101V, M133V, M214V, M584V.
Identifiers: ClinVar variation 2448344 (VCV002448344.2), dbSNP rs2533731407, ClinGen allele CA361132124.
Genomic context (GRCh38, chr5:138,925,258, plus strand): 5'-GCCAGGGGAATGATGCTGCCTGCTGACCAGGGTATCTACTGTGCCTCTTTCTCCACAGTC[A>G]TGCCACGTTTTACTGAGCAAGTAGAAGCAGCCGTGGAAGCCCTCAGCTCGGACCCTGCCC-3'
Protein context (NP_001894.2, residues 574-594): EATKLLSNTV[Met584Val]PRFTEQVEAA